The following is an entry in ClinVar:

ClinVar aggregate classification (germline): Uncertain significance (1 of 4 stars; one submission).

Submission:

CeGaT Center for Human Genetics Tuebingen
Classification: Uncertain significance. Last evaluated: 2023-07-01. Review status: criteria provided, single submitter. Criteria: CeGaT Center For Human Genetics Tuebingen Variant Classification Criteria Version 2. Collection method: clinical testing. Allele origin: germline. Affected: yes. Observed: 1 variant allele.
Comment: CLCN4: PM2, PP2

NM_001830.4(CLCN4):c.299A>C (p.Glu100Ala)

Gene: CLCN4 (Cl-/H+ antiporter 4; plus strand). Cytogenetic location: Xp22.2.
Variant type: single nucleotide variant.
Coding change: c.299A>C on transcript NM_001830.4 (MANE Select); coding-DNA position 299, A replaced by C.
Protein change: p.Glu100Ala; replaces glutamic acid 100 with alanine.
Molecular consequence: missense variant.
Genome position (GRCh38, 1-based): chrX:10,194,965, A>C. VCF-style: chrX-10194965-A-C. GRCh37 (hg19) VCF-style: chrX-10163005-A-C.
Other names: c.17A>C, p.Glu6Ala (NM_001256944.2); short protein forms E100A, E6A.
Identifiers: ClinVar variation 2579087 (VCV002579087.25), dbSNP rs2518877842, ClinGen allele CA412034108.